The following is an entry in ClinVar:

ClinVar aggregate classification (germline): Uncertain significance (1 of 4 stars; one submission).

Allele frequency attached by ClinVar (database versions not stated): gnomAD 0.00002; ExAC 0.00003; gnomAD exomes 0.00003; TOPMed 0.00003; ESP Exome Variant Server 0.00008.
gnomAD v4.1: 40 of 1,614,034 alleles (0.0025%); highest among the groups gnomAD compares: Non-Finnish European, 0.0033%; no homozygotes.

Submission:

Labcorp Genetics (formerly Invitae), Labcorp
Classification: Uncertain significance. Last evaluated: 2022-09-01. Review status: criteria provided, single submitter. Criteria: Invitae Variant Classification Sherloc (09022015). Collection method: clinical testing. Allele origin: germline.
Comment: In summary, the available evidence is currently insufficient to determine the role of this variant in disease. Therefore, it has been classified as a Variant of Uncertain Significance. Algorithms developed to predict the effect of missense changes on protein structure and function output the following: SIFT: "Tolerated"; PolyPhen-2: "Benign"; Align-GVGD: "Class C0". The arginine amino acid residue is found in multiple mammalian species, which suggests that this missense change does not adversely affect protein function. This variant has not been reported in the literature in individuals affected with MCM2-related conditions. This variant is present in population databases (rs368010365, gnomAD 0.007%). This sequence change replaces histidine, which is basic and polar, with arginine, which is basic and polar, at codon 893 of the MCM2 protein (p.His893Arg).

NM_004526.4(MCM2):c.2678A>G (p.His893Arg)

Genes: MCM2 (minichromosome maintenance complex component 2; plus strand), LOC107986126 (uncharacterized LOC107986126; minus strand). Cytogenetic location: 3q21.3.
Variant type: single nucleotide variant.
Coding change: c.2678A>G on transcript NM_004526.4 (MANE Select); coding-DNA position 2678, A replaced by G.
Protein change: p.His893Arg; replaces histidine 893 with arginine.
Molecular consequence: missense variant. On other transcripts: non-coding transcript variant (1).
Genome position (GRCh38, 1-based): chr3:127,621,736, A>G. VCF-style: chr3-127621736-A-G. GRCh37 (hg19) VCF-style: chr3-127340579-A-G.
Other names: short protein forms H893R.
Identifiers: ClinVar variation 1917473 (VCV001917473.5), dbSNP rs368010365, ClinGen allele CA2596332.